The following is an entry in ClinVar:

NM_000465.4(BARD1):c.379A>G (p.Lys127Glu)

Gene: BARD1 (BRCA1 associated RING domain 1; minus strand). Cytogenetic location: 2q35.
Variant type: single nucleotide variant.
Coding change: c.379A>G on transcript NM_000465.4 (MANE Select); coding-DNA position 379, A replaced by G.
Protein change: p.Lys127Glu; replaces lysine 127 with glutamic acid.
Molecular consequence: missense variant. On other transcripts: non-coding transcript variant (2), intron variant (3).
Genome position (GRCh38, 1-based): chr2:214,781,495, T>C on the plus strand (A>G on the coding strand, the complement: BARD1 is on the minus strand). VCF-style: chr2-214781495-T-C. GRCh37 (hg19) VCF-style: chr2-215646219-T-C.
Other names: c.322A>G, p.Lys108Glu (NM_001282543.2); c.158+27917A>G (NM_001282548.2); c.215+15566A>G (NM_001282545.2); c.364+10802A>G (NM_001282549.2); c.379A>G (NM_000465.2); short protein forms K108E, K127E.
Identifiers: ClinVar variation 657183 (VCV000657183.12), dbSNP rs1574821802, ClinGen allele CA350458312.

ClinVar aggregate classification (germline): Conflicting classifications of pathogenicity. Review status: criteria provided, conflicting classifications (1 of 4 stars). 2 submissions from 2 submitters: Uncertain significance (1); Likely benign (1). Last evaluated 2026-02-03.

Conditions:
Hereditary cancer-predisposing syndrome. Also called: Neoplastic Syndromes, Hereditary; Hereditary neoplastic syndrome; Tumor predisposition; Hereditary Cancer Syndrome. Identifiers: Orphanet 140162, MedGen C0027672, MeSH D009386, MONDO:0015356.
Familial cancer of breast. Also called: Hereditary breast cancer; BREAST CANCER, FAMILIAL; hereditary breast carcinoma. Identifiers: Orphanet 227535, MedGen C0346153, MONDO:0016419, OMIM 114480. Disease mechanism: loss of function.

Allele frequency attached by ClinVar (database versions not stated): gnomAD exomes below 0.00001.
gnomAD v4.1: 1 of 1,611,030 alleles (0.000062%); highest among the groups gnomAD compares: Non-Finnish European, 0.000085%; no homozygotes.

Submissions (2):

Ambry Genetics
Classification: Likely benign for Hereditary cancer-predisposing syndrome. Last evaluated: 2026-02-03. Review status: criteria provided, single submitter. Criteria: Ambry Variant Classification Scheme 2023. Collection method: clinical testing. Allele origin: germline.

Labcorp Genetics (formerly Invitae), Labcorp
Classification: Uncertain significance for Familial cancer of breast. Last evaluated: 2023-01-06. Review status: criteria provided, single submitter. Criteria: Invitae Variant Classification Sherloc (09022015). Collection method: clinical testing. Allele origin: germline.
Comment: ClinVar contains an entry for this variant (Variation ID: 657183). This variant has not been reported in the literature in individuals affected with BARD1-related conditions. This variant is not present in population databases (gnomAD no frequency). This sequence change replaces lysine, which is basic and polar, with glutamic acid, which is acidic and polar, at codon 127 of the BARD1 protein (p.Lys127Glu). Algorithms developed to predict the effect of missense changes on protein structure and function (SIFT, PolyPhen-2, Align-GVGD) all suggest that this variant is likely to be tolerated. In summary, the available evidence is currently insufficient to determine the role of this variant in disease. Therefore, it has been classified as a Variant of Uncertain Significance.